The following is an entry in ClinVar:

NM_001267550.2(TTN):c.97192+6G>A

Genes: TTN (titin; minus strand), TTN-AS1 (TTN antisense RNA 1; plus strand), LOC129935186 (ATAC-STARR-seq lymphoblastoid active region 16811; plus strand). Cytogenetic location: 2q31.2.
Variant type: single nucleotide variant.
Coding change: c.97192+6G>A on transcript NM_001267550.2 (MANE Select); 6 bases into the intron after coding-DNA position 97192, G replaced by A.
Molecular consequence: intron variant.
Genome position (GRCh38, 1-based): chr2:178,542,656, C>T on the plus strand (G>A on the coding strand, the complement: TTN is on the minus strand). VCF-style: chr2-178542656-C-T. GRCh37 (hg19) VCF-style: chr2-179407383-C-T.
Other names: c.92269+6G>A (NM_001256850.1); c.69997+6G>A (NM_003319.4); c.70573+6G>A (NM_133437.4); c.70372+6G>A (NM_133432.3); c.89488+6G>A (NM_133378.4).
Identifiers: ClinVar variation 506304 (VCV000506304.54), dbSNP rs367760700, ClinGen allele CA1986616.

ClinVar aggregate classification (germline): Conflicting classifications of pathogenicity. Review status: criteria provided, conflicting classifications (1 of 4 stars). 14 submissions from 10 submitters: Uncertain significance (6); Benign (1); Likely benign (5). 2 of the submissions do not count toward it. Last evaluated 2026-03-03.

Conditions:
TTN-related disorder. Also called: TTN-related condition; TTN-related disease; TTN-related disorders.
Early-onset myopathy with fatal cardiomyopathy (CMYO5). Also called: CONGENITAL MYOPATHY 5 WITH CARDIOMYOPATHY; Salih Myopathy. Identifiers: Orphanet 289377, MedGen C2673677, MONDO:0012714, OMIM 611705. Disease mechanism: loss of function.
Myopathy, myofibrillar, 9, with early respiratory failure (MFM9). Also called: Myopathy, distal, with early respiratory failure, autosomal dominant; Hereditary myopathy with early respiratory failure; MYOPATHY, PROXIMAL, WITH EARLY RESPIRATORY MUSCLE INVOLVEMENT; EDSTROM MYOPATHY. Identifiers: Orphanet 178464, Orphanet 34521, MedGen C1863599, MONDO:0011362, OMIM 603689.
Cardiovascular phenotype. Identifiers: MedGen CN230736.
Autosomal recessive limb-girdle muscular dystrophy type 2J (LGMDR10). Also called: Limb-girdle muscular dystrophy, type 2J; MUSCULAR DYSTROPHY, LIMB-GIRDLE, AUTOSOMAL RECESSIVE 10. Identifiers: Orphanet 140922, MedGen C1837342, MONDO:0012127, OMIM 608807.
Tibial muscular dystrophy (TMD). Also called: Udd Distal Myopathy – Tibial Muscular Dystrophy; Tibial muscular dystrophy, tardive; UDD MYOPATHY. Identifiers: Orphanet 609, MedGen C1838244, MONDO:0010870, OMIM 600334.
Dilated cardiomyopathy 1G (CMD1G). Identifiers: Orphanet 154, MedGen C1858763, MONDO:0011400, OMIM 604145.

Allele frequency attached by ClinVar (database versions not stated): gnomAD 0.00001; TOPMed 0.00003; gnomAD exomes 0.00006; ExAC 0.00008; ESP Exome Variant Server 0.00008.
gnomAD v4.1: 93 of 1,609,500 alleles (0.0058%); highest among the groups gnomAD compares: Non-Finnish European, 0.0077%; no homozygotes.

Submissions (14):

PreventionGenetics, part of Exact Sciences
Classification: Likely benign for TTN-related condition. Last evaluated: 2026-03-03. Review status: criteria provided, single submitter. Criteria: ACMG Guidelines, 2015. Collection method: clinical testing. Allele origin: germline.
Comment: This variant is classified as likely benign based on ACMG/AMP sequence variant interpretation guidelines (Richards et al. 2015 PMID: 25741868, with internal and published modifications).

Molecular Diagnostic Laboratory for Inherited Cardiovascular Disease, Montreal Heart Institute
Classification: Uncertain significance for Cardiovascular phenotype. Last evaluated: 2025-04-09. Review status: criteria provided, single submitter. Criteria: ACMG Guidelines, 2015. Collection method: clinical testing. Allele origin: germline. Affected: yes.
Comment: PM2

ARUP Laboratories, Molecular Genetics and Genomics, ARUP Laboratories
Classification: Likely benign. Last evaluated: 2025-01-29. Review status: criteria provided, single submitter. Criteria: ARUP Molecular Germline Variant Investigation Process 2024. Collection method: clinical testing. Allele origin: germline.

Blueprint Genetics
Classification: Likely benign. Last evaluated: 2024-09-03. Review status: criteria provided, single submitter. Criteria: ACMG Guidelines, 2015. Collection method: clinical testing. Allele origin: germline.

CeGaT Center for Human Genetics Tuebingen
Classification: Uncertain significance. Last evaluated: 2024-06-01. Review status: criteria provided, single submitter. Criteria: CeGaT Center For Human Genetics Tuebingen Variant Classification Criteria Version 2. Collection method: clinical testing. Allele origin: germline. Affected: yes. Observed: 2 variant alleles.
Comment: TTN: PM2:Supporting, BP4

Women's Health and Genetics/Laboratory Corporation of America, LabCorp
Classification: Uncertain significance. Last evaluated: 2024-03-30. Review status: criteria provided, single submitter. Criteria: LabCorp Variant Classification Summary - May 2015. Collection method: clinical testing. Allele origin: germline.

Illumina Laboratory Services, Illumina
Classification: Uncertain significance for Autosomal recessive limb-girdle muscular dystrophy type 2J. Last evaluated: 2018-01-13. Review status: criteria provided, single submitter. Criteria: ICSL Variant Classification Criteria 13 December 2019. Collection method: clinical testing. Allele origin: germline.

Illumina Laboratory Services, Illumina
Classification: Benign for Tibial muscular dystrophy. Last evaluated: 2018-01-13. Review status: criteria provided, single submitter. Criteria: ICSL Variant Classification Criteria 13 December 2019. Collection method: clinical testing. Allele origin: germline.
Comment: This variant was observed in the ICSL laboratory as part of a predisposition screen in an ostensibly healthy population. It had not been previously curated by ICSL or reported in the Human Gene Mutation Database (HGMD: prior to June 1st, 2018), and was therefore a candidate for classification through an automated scoring system. Utilizing variant allele frequency, disease prevalence and penetrance estimates, and inheritance mode, an automated score was calculated to assess if this variant is too frequent to cause the disease. Based on the score and internal cut-off values, a variant classified as benign is not then subjected to further curation. The score for this variant resulted in a classification of benign for this disease.

Illumina Laboratory Services, Illumina
Classification: Uncertain significance for Dilated cardiomyopathy 1G. Last evaluated: 2018-01-13. Review status: criteria provided, single submitter. Criteria: ICSL Variant Classification Criteria 13 December 2019. Collection method: clinical testing. Allele origin: germline.

Illumina Laboratory Services, Illumina
Classification: Likely benign for Myopathy, myofibrillar, 9, with early respiratory failure. Last evaluated: 2018-01-13. Review status: criteria provided, single submitter. Criteria: ICSL Variant Classification Criteria 13 December 2019. Collection method: clinical testing. Allele origin: germline.
Comment: This variant was observed in the ICSL laboratory as part of a predisposition screen in an ostensibly healthy population. It had not been previously curated by ICSL or reported in the Human Gene Mutation Database (HGMD: prior to June 1st, 2018), and was therefore a candidate for classification through an automated scoring system. Utilizing variant allele frequency, disease prevalence and penetrance estimates, and inheritance mode, an automated score was calculated to assess if this variant is too frequent to cause the disease. Based on the score and internal cut-off values, a variant classified as likely benign is not then subjected to further curation. The score for this variant resulted in a classification of likely benign for this disease.

Illumina Laboratory Services, Illumina
Classification: Uncertain significance for Early-onset myopathy with fatal cardiomyopathy. Last evaluated: 2018-01-13. Review status: criteria provided, single submitter. Criteria: ICSL Variant Classification Criteria 13 December 2019. Collection method: clinical testing. Allele origin: germline.

GeneDx
Classification: Likely benign. Last evaluated: 2017-02-13. Review status: criteria provided, single submitter. Criteria: GeneDx Variant Classification (06012015). Collection method: clinical testing. Allele origin: germline. Affected: yes.
Comment: This variant is considered likely benign or benign based on one or more of the following criteria: it is a conservative change, it occurs at a poorly conserved position in the protein, it is predicted to be benign by multiple in silico algorithms, and/or has population frequency not consistent with disease.

Diagnostic Laboratory, Department of Genetics, University Medical Center Groningen
Classification: Likely benign. Review status: no assertion criteria provided. Collection method: clinical testing. Allele origin: germline. Affected: yes. Study: VKGL Data-share Consensus. Not counted in ClinVar's aggregate classification.

Genome Diagnostics Laboratory, University Medical Center Utrecht
Classification: Likely benign. Review status: no assertion criteria provided. Collection method: clinical testing. Allele origin: germline. Affected: yes. Study: VKGL Data-share Consensus. Not counted in ClinVar's aggregate classification.